The following is an entry in ClinVar:

NM_000080.4(CHRNE):c.362G>T (p.Gly121Val)

Genes: C17orf107 (chromosome 17 open reading frame 107; plus strand), CHRNE (cholinergic receptor nicotinic epsilon subunit; minus strand). Cytogenetic location: 17p13.2.
Variant type: single nucleotide variant.
Coding change: c.362G>T on transcript NM_000080.4 (MANE Select); coding-DNA position 362, G replaced by T.
Protein change: p.Gly121Val; replaces glycine 121 with valine.
Molecular consequence: missense variant. On other transcripts: 3 prime UTR variant (1).
Genome position (GRCh38, 1-based): chr17:4,902,070, C>A on the plus strand (G>T on the coding strand, the complement: CHRNE is on the minus strand). VCF-style: chr17-4902070-C-A. GRCh37 (hg19) VCF-style: chr17-4805365-C-A.
Other names: c.*1537C>A (NM_001145536.2); short protein forms G121V.
Identifiers: ClinVar variation 1398367 (VCV001398367.3), dbSNP rs746582621, ClinGen allele CA8314476.

ClinVar aggregate classification (germline): Uncertain significance (1 of 4 stars; one submission).

Conditions:
Congenital myasthenic syndrome 4A. Also called: Myasthenic syndrome, congenital, 4a, slow-channel; MYASTHENIC SYNDROME, CONGENITAL, 4A, SLOW-CHANNEL, AUTOSOMAL RECESSIVE; CONGENITAL MYASTHENIC SYNDROME TYPE Ia1. Identifiers: Orphanet 590, MedGen C4225413, MONDO:0011600, OMIM 605809.

Allele frequency attached by ClinVar (database versions not stated): ExAC 0.00001; gnomAD exomes 0.00001.
gnomAD v4.1: 6 of 1,614,048 alleles (0.00037%); highest among the groups gnomAD compares: Non-Finnish European, 0.00051%; no homozygotes.

Submission:

Labcorp Genetics (formerly Invitae), Labcorp
Classification: Uncertain significance for Congenital myasthenic syndrome 4A. Last evaluated: 2021-10-24. Review status: criteria provided, single submitter. Criteria: Invitae Variant Classification Sherloc (09022015). Collection method: clinical testing. Allele origin: germline.
Comment: This sequence change replaces glycine with valine at codon 121 of the CHRNE protein (p.Gly121Val). The glycine residue is weakly conserved and there is a moderate physicochemical difference between glycine and valine. This variant is present in population databases (rs746582621, ExAC 0.002%). This variant has not been reported in the literature in individuals affected with CHRNE-related conditions. Advanced modeling of protein sequence and biophysical properties (such as structural, functional, and spatial information, amino acid conservation, physicochemical variation, residue mobility, and thermodynamic stability) performed at Invitae indicates that this missense variant is not expected to disrupt CHRNE protein function. In summary, the available evidence is currently insufficient to determine the role of this variant in disease. Therefore, it has been classified as a Variant of Uncertain Significance.